The following is an entry in ClinVar:

NM_001042492.3(NF1):c.3926T>A (p.Ile1309Asn)

Gene: NF1 (neurofibromin 1; plus strand). Cytogenetic location: 17q11.2.
Variant type: single nucleotide variant.
Coding change: c.3926T>A on transcript NM_001042492.3 (MANE Select); coding-DNA position 3926, T replaced by A.
Protein change: p.Ile1309Asn; replaces isoleucine 1309 with asparagine.
Molecular consequence: missense variant.
Genome position (GRCh38, 1-based): chr17:31,235,973, T>A. VCF-style: chr17-31235973-T-A. GRCh37 (hg19) VCF-style: chr17-29562991-T-A.
Other names: c.3926T>A, p.Ile1309Asn (NM_000267.4); short protein forms I1309N.
Identifiers: ClinVar variation 571491 (VCV000571491.8), dbSNP rs1567852796, ClinGen allele CA398993174.

ClinVar aggregate classification (germline): Uncertain significance. Review status: criteria provided, multiple submitters, no conflicts (2 of 4 stars). 2 submissions from 2 submitters: Uncertain significance (2). Last evaluated 2024-12-21.

Conditions:
Cardiovascular phenotype. Identifiers: MedGen CN230736.
Hereditary cancer-predisposing syndrome. Also called: Hereditary neoplastic syndrome; Neoplastic Syndromes, Hereditary; Hereditary Cancer Syndrome; Tumor predisposition. Identifiers: Orphanet 140162, MedGen C0027672, MeSH D009386, MONDO:0015356.
Neurofibromatosis, type 1 (NF1). Also called: Peripheral type neurofibromatosis; VON RECKLINGHAUSEN DISEASE; Neurofibromatosis, type I; NEUROFIBROMATOSIS, TYPE I, SOMATIC. Identifiers: Orphanet 636, MedGen C0027831, MONDO:0018975, OMIM 162200. Disease mechanism: loss of function.

Allele frequency attached by ClinVar (database versions not stated): gnomAD exomes below 0.00001.
gnomAD v4.1: 2 of 1,614,102 alleles (0.00012%); highest among the groups gnomAD compares: Non-Finnish European, 0.00017%; no homozygotes.

Submissions (2):

Labcorp Genetics (formerly Invitae), Labcorp
Classification: Uncertain significance for Neurofibromatosis, type 1. Last evaluated: 2024-12-21. Review status: criteria provided, single submitter. Criteria: Invitae Variant Classification Sherloc (09022015). Collection method: clinical testing. Allele origin: germline.
Comment: This sequence change replaces isoleucine, which is neutral and non-polar, with asparagine, which is neutral and polar, at codon 1309 of the NF1 protein (p.Ile1309Asn). This variant is not present in population databases (gnomAD no frequency). This variant has not been reported in the literature in individuals affected with NF1-related conditions. ClinVar contains an entry for this variant (Variation ID: 571491). Invitae Evidence Modeling of protein sequence and biophysical properties (such as structural, functional, and spatial information, amino acid conservation, physicochemical variation, residue mobility, and thermodynamic stability) indicates that this missense variant is expected to disrupt NF1 protein function with a positive predictive value of 95%. In summary, the available evidence is currently insufficient to determine the role of this variant in disease. Therefore, it has been classified as a Variant of Uncertain Significance.

Ambry Genetics
Classification: Uncertain significance for Cardiovascular phenotype; Hereditary cancer-predisposing syndrome. Last evaluated: 2022-09-04. Review status: criteria provided, single submitter. Criteria: Ambry Variant Classification Scheme 2023. Collection method: clinical testing. Allele origin: germline.
Comment: The p.I1309N variant (also known as c.3926T>A), located in coding exon 29 of the NF1 gene, results from a T to A substitution at nucleotide position 3926. The isoleucine at codon 1309 is replaced by asparagine, an amino acid with dissimilar properties. This amino acid position is conserved. In addition, this alteration is predicted to be deleterious by in silico analysis. Since supporting evidence is limited at this time, the clinical significance of this alteration remains unclear.